The following is an entry in ClinVar:

NM_005050.4(ABCD4):c.1743C>G (p.Ser581Arg)

Gene: ABCD4 (ATP binding cassette subfamily D member 4; minus strand). Cytogenetic location: 14q24.3.
Variant type: single nucleotide variant.
Coding change: c.1743C>G on transcript NM_005050.4 (MANE Select); coding-DNA position 1743, C replaced by G.
Protein change: p.Ser581Arg; replaces serine 581 with arginine.
Molecular consequence: missense variant. On other transcripts: 3 prime UTR variant (1), non-coding transcript variant (10).
Genome position (GRCh38, 1-based): chr14:74,286,710, G>C on the plus strand (C>G on the coding strand, the complement: ABCD4 is on the minus strand). VCF-style: chr14-74286710-G-C. GRCh37 (hg19) VCF-style: chr14-74753413-G-C.
Other names: c.1617C>G, p.Ser539Arg (NM_001353591.2, NM_001353592.2); c.1482C>G, p.Ser494Arg (NM_001353593.2); c.1431C>G, p.Ser477Arg (NM_001353594.2); c.1329C>G, p.Ser443Arg (NM_001353595.2, NM_001353596.2); c.1278C>G, p.Ser426Arg (NM_001353597.2); c.1266C>G, p.Ser422Arg (NM_001353598.2, NM_001353599.2, NM_001353600.2 and 2 more transcripts); c.954C>G, p.Ser318Arg (NM_001353602.2, NM_001353603.2, NM_001353604.2 and 5 more transcripts); c.*80C>G (NM_001353610.2); and 2 more; short protein forms S318R, S426R, S477R, S494R, S581R, S422R, S538R, S539R.
Identifiers: ClinVar variation 2198918 (VCV002198918.4), dbSNP rs770287341, ClinGen allele CA7266614.

ClinVar aggregate classification (germline): Uncertain significance. Review status: criteria provided, multiple submitters, no conflicts (2 of 4 stars). 2 submissions from 2 submitters: Uncertain significance (2). Last evaluated 2022-06-13.

Conditions:
Methylmalonic acidemia with homocystinuria, type cblJ (MAHCJ). Also called: METHYLMALONIC ACIDURIA AND HOMOCYSTINURIA, cblJ TYPE. Identifiers: Orphanet 369955, MedGen C3553915, MONDO:0013925, OMIM 614857.

Allele frequency attached by ClinVar (database versions not stated): gnomAD 0.00001; TOPMed 0.00003.
gnomAD v4.1: 35 of 1,613,964 alleles (0.0022%); highest among the groups gnomAD compares: Admixed American, 0.005%; no homozygotes.

Submissions (2):

Labcorp Genetics (formerly Invitae), Labcorp
Classification: Uncertain significance for Methylmalonic acidemia with homocystinuria, type cblJ. Last evaluated: 2022-06-13. Review status: criteria provided, single submitter. Criteria: Invitae Variant Classification Sherloc (09022015). Collection method: clinical testing. Allele origin: germline.
Comment: This sequence change replaces serine, which is neutral and polar, with arginine, which is basic and polar, at codon 581 of the ABCD4 protein (p.Ser581Arg). This variant is present in population databases (rs770287341, gnomAD 0.008%). This variant has not been reported in the literature in individuals affected with ABCD4-related conditions. Advanced modeling of protein sequence and biophysical properties (such as structural, functional, and spatial information, amino acid conservation, physicochemical variation, residue mobility, and thermodynamic stability) performed at Invitae indicates that this missense variant is expected to disrupt ABCD4 protein function. In summary, the available evidence is currently insufficient to determine the role of this variant in disease. Therefore, it has been classified as a Variant of Uncertain Significance.

Blueprint Genetics
Classification: Uncertain significance. Last evaluated: 2022-02-07. Review status: criteria provided, single submitter. Criteria: ACMG Guidelines, 2015. Collection method: clinical testing. Allele origin: germline.